The following is an entry in ClinVar:

ClinVar aggregate classification (germline): Benign/Likely benign. Review status: criteria provided, multiple submitters, no conflicts (2 of 4 stars). 4 submissions from 4 submitters: Benign (1); Likely benign (3). Last evaluated 2025-12-26.

Conditions:
Primary ciliary dyskinesia. Also called: Ciliary dyskinesia. Identifiers: Orphanet 244, MedGen C0008780, MONDO:0016575, HP:0012265.
RPGR-related disorder. Also called: RPGR-related condition.

Allele frequency attached by ClinVar (database versions not stated): ExAC 0.00003; gnomAD 0.00003; TOPMed 0.00003; ESP Exome Variant Server 0.00009; gnomAD exomes 0.00009.
gnomAD v4.1: 44 of 1,208,647 alleles (0.0036%); highest among the groups gnomAD compares: Admixed American, 0.022%; no homozygotes.

Submissions (4):

Labcorp Genetics (formerly Invitae), Labcorp
Classification: Benign for Primary ciliary dyskinesia. Last evaluated: 2025-12-26. Review status: criteria provided, single submitter. Criteria: Invitae Variant Classification Sherloc (09022015). Collection method: clinical testing. Allele origin: germline.

PreventionGenetics, part of Exact Sciences
Classification: Likely benign for RPGR-related condition. Last evaluated: 2025-01-31. Review status: criteria provided, single submitter. Criteria: ACMG Guidelines, 2015. Collection method: clinical testing. Allele origin: germline.
Comment: This variant is classified as likely benign based on ACMG/AMP sequence variant interpretation guidelines (Richards et al. 2015 PMID: 25741868, with internal and published modifications).

Blueprint Genetics
Classification: Likely benign. Last evaluated: 2024-09-27. Review status: criteria provided, single submitter. Criteria: ACMG Guidelines, 2015. Collection method: clinical testing. Allele origin: germline.

Ambry Genetics
Classification: Likely benign for Primary ciliary dyskinesia. Last evaluated: 2024-04-27. Review status: criteria provided, single submitter. Criteria: Ambry Variant Classification Scheme 2023. Collection method: clinical testing. Allele origin: germline.

NM_001034853.2(RPGR):c.1728C>T (p.Ile576=)

Gene: RPGR (retinitis pigmentosa GTPase regulator; minus strand). Cytogenetic location: Xp11.4.
Variant type: single nucleotide variant.
Coding change: c.1728C>T on transcript NM_001034853.2 (MANE Select); coding-DNA position 1728, C replaced by T.
Protein change: p.Ile576=; no amino-acid change (isoleucine 576 retained).
Molecular consequence: synonymous variant. On other transcripts: non-coding transcript variant (1), intron variant (5).
Genome position (GRCh38, 1-based): chrX:38,287,886, G>A on the plus strand (C>T on the coding strand, the complement: RPGR is on the minus strand). VCF-style: chrX-38287886-G-A. GRCh37 (hg19) VCF-style: chrX-38147139-G-A.
Other names: c.1728C>T (NM_001034853.1, NM_000328.2); c.1728C>T, p.Ile576= (NM_000328.3); c.1725C>T, p.Ile575= (NM_001367245.1); c.1542C>T, p.Ile514= (NM_001367246.1); c.1569+3073C>T (NM_001367249.1, NM_001367250.1); c.1386+3073C>T (NM_001367251.1); c.1572+3073C>T (NM_001367247.1); c.1602+3073C>T (NM_001367248.1).
Identifiers: ClinVar variation 1169652 (VCV001169652.12), dbSNP rs145682975, ClinGen allele CA10385413.